The following is an entry in ClinVar:

NM_000038.6(APC):c.8525C>G (p.Ser2842Cys)

Gene: APC (APC regulator of Wnt signaling pathway; plus strand). Cytogenetic location: 5q22.2.
Variant type: single nucleotide variant.
Coding change: c.8525C>G on transcript NM_000038.6 (MANE Select); coding-DNA position 8525, C replaced by G.
Protein change: p.Ser2842Cys; replaces serine 2842 with cysteine.
Molecular consequence: missense variant.
Genome position (GRCh38, 1-based): chr5:112,844,119, C>G. VCF-style: chr5-112844119-C-G. GRCh37 (hg19) VCF-style: chr5-112179816-C-G.
Other names: c.8525C>G (NM_000038.5); c.8525C>G, p.Ser2842Cys (NM_001127510.3, NM_001354895.2); c.8471C>G, p.Ser2824Cys (NM_001127511.3); c.8579C>G, p.Ser2860Cys (NM_001354896.2); c.8555C>G, p.Ser2852Cys (NM_001354897.2); c.8450C>G, p.Ser2817Cys (NM_001354898.2); c.8441C>G, p.Ser2814Cys (NM_001354899.2); c.8402C>G, p.Ser2801Cys (NM_001354900.2); and 6 more; short protein forms S2682C, S2716C, S2801C, S2814C, S2852C, S2751C, S2783C, S2824C.
Identifiers: ClinVar variation 1389785 (VCV001389785.7), dbSNP rs1561624071, ClinGen allele CA16039818.
Genomic context (GRCh38, chr5:112,844,119, plus strand): 5'-GCACAGAATCCAGTGGAACCCAAAGTCCTAAGCGCCATTCTGGGTCTTACCTTGTGACAT[C>G]TGTTTAAAAGAGAGGAAGAATGAAACTAAGAAAATTCTATGTTAATTACAACTGCTATAT-3'
Protein context (NP_000029.2, residues 2832-2843): KRHSGSYLVT[Ser2842Cys]V

ClinVar aggregate classification (germline): Uncertain significance. Review status: criteria provided, multiple submitters, no conflicts (2 of 4 stars). 2 submissions from 2 submitters: Uncertain significance (2). Last evaluated 2023-04-15.

Conditions:
Hereditary cancer-predisposing syndrome. Also called: Neoplastic Syndromes, Hereditary; Tumor predisposition; Hereditary neoplastic syndrome; Hereditary Cancer Syndrome. Identifiers: Orphanet 140162, MedGen C0027672, MeSH D009386, MONDO:0015356.
Familial adenomatous polyposis 1 (FAP1). Also called: FAMILIAL ADENOMATOUS POLYPOSIS 1, ATTENUATED; POLYPOSIS, ADENOMATOUS INTESTINAL. Identifiers: MedGen C2713442, MONDO:0021056, OMIM 175100. Disease mechanism: loss of function.

Submissions (2):

Labcorp Genetics (formerly Invitae), Labcorp
Classification: Uncertain significance for Familial adenomatous polyposis 1. Last evaluated: 2023-04-15. Review status: criteria provided, single submitter. Criteria: Invitae Variant Classification Sherloc (09022015). Collection method: clinical testing. Allele origin: germline.
Comment: This variant is not present in population databases (gnomAD no frequency). This sequence change replaces serine, which is neutral and polar, with cysteine, which is neutral and slightly polar, at codon 2842 of the APC protein (p.Ser2842Cys). This variant has not been reported in the literature in individuals affected with APC-related conditions. In summary, the available evidence is currently insufficient to determine the role of this variant in disease. Therefore, it has been classified as a Variant of Uncertain Significance. Experimental studies have shown that this missense change affects APC function (PMID: 22434720). Advanced modeling of protein sequence and biophysical properties (such as structural, functional, and spatial information, amino acid conservation, physicochemical variation, residue mobility, and thermodynamic stability) performed at Invitae indicates that this missense variant is not expected to disrupt APC protein function. ClinVar contains an entry for this variant (Variation ID: 1389785).

Ambry Genetics
Classification: Uncertain significance for Hereditary cancer-predisposing syndrome. Last evaluated: 2023-01-11. Review status: criteria provided, single submitter. Criteria: Ambry Variant Classification Scheme 2023. Collection method: clinical testing. Allele origin: germline.
Comment: The p.S2842C variant (also known as c.8525C>G), located in coding exon 15 of the APC gene, results from a C to G substitution at nucleotide position 8525. The serine at codon 2842 is replaced by cysteine, an amino acid with dissimilar properties. This amino acid position is highly conserved in available vertebrate species. In addition, in silico predictors for this gene do not accurately predict pathogenicity. Since supporting evidence is limited at this time, the clinical significance of this alteration remains unclear.

Literature cited by the submitters: PubMed 22434720 (cited by Labcorp Genetics (formerly Invitae), Labcorp).